The following is an entry in ClinVar:

ClinVar aggregate classification (germline): Pathogenic/Likely pathogenic. Review status: criteria provided, multiple submitters, no conflicts (2 of 4 stars). 6 submissions from 6 submitters: Pathogenic (3); Likely pathogenic (1). 2 of the submissions do not count toward it. Last evaluated 2026-10-01.

Conditions:
Mucopolysaccharidosis, MPS-III-A (MPS3A). Also called: HEPARAN SULFATE SULFATASE DEFICIENCY; SANFILIPPO SYNDROME A; SULFAMIDASE DEFICIENCY; Mucopolysaccharidosis, type IIIA; mucopolysaccharidosis type 3A; MPS IIIA (Sanfilippo Syndrome Type A). Identifiers: Orphanet 581, Orphanet 79269, MedGen C0086647, MONDO:0009655, OMIM 252900.

Allele frequency attached by ClinVar (database versions not stated): gnomAD exomes 0.00004 and below 0.00001.

Submissions (6):

GeneDx
Classification: Pathogenic. Last evaluated: 2026-10-01. Review status: criteria provided, single submitter. Criteria: GeneDx Variant Classification Process June 2021. Collection method: clinical testing. Allele origin: germline.
Comment: In-frame deletion of 4 amino acid(s) and insertion of 1 different amino acid(s)in a non-repeat region predicted to critically alter the protein; Not observed at significant frequency in large population cohorts (gnomAD); In silico analysis supports a deleterious effect on protein structure/function; Also known as c.1307del9; This variant is associated with the following publications: (PMID: 34047372, 9158154, 42798182)

Labcorp Genetics (formerly Invitae), Labcorp
Classification: Pathogenic for Mucopolysaccharidosis, MPS-III-A. Last evaluated: 2025-08-10. Review status: criteria provided, single submitter. Criteria: Invitae Variant Classification Sherloc (09022015). Collection method: clinical testing. Allele origin: germline.
Comment: This variant, c.1295_1303del, is a complex sequence change that results in the deletion of 4 and insertion of 1 amino acid(s) in the SGSH protein (p.Tyr432_Arg435delinsCys). This variant is present in population databases (no rsID available, gnomAD 0.0009%). This variant has been observed in individual(s) with SGSH-related conditions (PMID: 9158154). This variant is also known as 1307 del 9. ClinVar contains an entry for this variant (Variation ID: 1419099). This variant disrupts a region of the SGSH protein in which other variant(s) (p.Arg433Gln) have been determined to be pathogenic (PMID: 11343308, 12702166, 30593151). This suggests that this is a clinically significant region of the protein, and that variants that disrupt it are likely to be disease-causing. For these reasons, this variant has been classified as Pathogenic.

Baylor Genetics
Classification: Pathogenic for Mucopolysaccharidosis, MPS-III-A. Last evaluated: 2024-03-08. Review status: criteria provided, single submitter. Criteria: ACMG Guidelines, 2015. Collection method: clinical testing. Allele origin: unknown.

Genetics and Molecular Pathology, SA Pathology
Classification: Likely pathogenic for Mucopolysaccharidosis, MPS-III-A. Last evaluated: 2020-03-30. Review status: criteria provided, single submitter. Criteria: ACMG Guidelines, 2015. Collection method: clinical testing. Allele origin: germline. Affected: yes.
Comment: PM2, PM3, PM4, PS4-supporting

OMIM
Classification: Pathogenic for MUCOPOLYSACCHARIDOSIS, TYPE IIIA. Last evaluated: 1997-05-01. Review status: no assertion criteria provided. Collection method: literature only. Allele origin: germline. Not counted in ClinVar's aggregate classification.

Fulgent Genetics
Classification: Uncertain significance for Mucopolysaccharidosis, MPS-III-A. Last evaluated: 2021-07-23. Review status: flagged submission. Criteria: ACMG Guidelines, 2015. Collection method: clinical testing. Allele origin: unknown. Not counted in ClinVar's aggregate classification.
ClinVar note: Reason: Outlier claim with insufficient supporting evidence

Literature cited by the submitters: PubMed 9158154 (cited by Labcorp Genetics (formerly Invitae), Labcorp and OMIM); PubMed 11343308 (cited by Labcorp Genetics (formerly Invitae), Labcorp); PubMed 12702166 (cited by Labcorp Genetics (formerly Invitae), Labcorp); PubMed 30593151 (cited by Labcorp Genetics (formerly Invitae), Labcorp).

NM_000199.5(SGSH):c.1295_1303del (p.Tyr432_Arg435delinsCys)

Gene: SGSH (N-sulfoglucosamine sulfohydrolase; minus strand). Cytogenetic location: 17q25.3.
Variant type: Deletion.
Coding change: c.1295_1303del on transcript NM_000199.5 (MANE Select); coding-DNA positions 1295 to 1303, 9 bases deleted (ACCGGGCGC; older notation c.1295_1303delACCGGGCGC).
Protein change: p.Tyr432_Arg435delinsCys.
Molecular consequence: inframe indel. On other transcripts: 3 prime UTR variant (2), non-coding transcript variant (1).
Genome position (GRCh38, 1-based): chr17:80,210,658-80,210,666, GCGCCCGGT deleted on the plus strand (ACCGGGCGC on the coding strand, the reverse complement: SGSH is on the minus strand). VCF-style (leftmost placement, unchanged base first): chr17-80210657-CGCGCCCGGT-C. GRCh37 (hg19) VCF-style: chr17-78184456-CGCGCCCGGT-C.
Other names: c.*382_*390del (NM_001352921.3); c.*345_*353del (NM_001352922.2); c.1295_1303del (NM_000199.3).
Identifiers: ClinVar variation 1419099 (VCV001419099.14), dbSNP rs1567914835, ClinGen allele CA628019013.